The following is an entry in ClinVar:

ClinVar aggregate classification (germline): Uncertain significance (1 of 4 stars; one submission).

Conditions:
Shprintzen-Goldberg syndrome (SGS). Also called: Marfanoid disorder with craniosynostosis type 1; Marfanoid craniosynostosis syndrome; Shprintzen-Goldberg marfanoid syndrome; SHPRINTZEN-GOLDBERG CRANIOSYNOSTOSIS SYNDROME; CRANIOSYNOSTOSIS WITH ARACHNODACTYLY AND ABDOMINAL HERNIAS. Identifiers: Orphanet 2462, MedGen C1321551, MONDO:0008426, OMIM 182212.

Allele frequency attached by ClinVar (database versions not stated): ExAC 0.00002.

Submission:

Labcorp Genetics (formerly Invitae), Labcorp
Classification: Uncertain significance for Shprintzen-Goldberg syndrome. Last evaluated: 2022-10-25. Review status: criteria provided, single submitter. Criteria: Invitae Variant Classification Sherloc (09022015). Collection method: clinical testing. Allele origin: germline.
Comment: In summary, the available evidence is currently insufficient to determine the role of this variant in disease. Therefore, it has been classified as a Variant of Uncertain Significance. This sequence change replaces alanine, which is neutral and non-polar, with threonine, which is neutral and polar, at codon 283 of the SKI protein (p.Ala283Thr). This variant is present in population databases (rs764229946, gnomAD 0.002%). This variant has not been reported in the literature in individuals affected with SKI-related conditions. Advanced modeling of protein sequence and biophysical properties (such as structural, functional, and spatial information, amino acid conservation, physicochemical variation, residue mobility, and thermodynamic stability) has been performed at Invitae for this missense variant, however the output from this modeling did not meet the statistical confidence thresholds required to predict the impact of this variant on SKI protein function.

NM_003036.4(SKI):c.847G>A (p.Ala283Thr)

Gene: SKI (SKI proto-oncogene; plus strand). Cytogenetic location: 1p36.33.
Variant type: single nucleotide variant.
Coding change: c.847G>A on transcript NM_003036.4 (MANE Select); coding-DNA position 847, G replaced by A.
Protein change: p.Ala283Thr; replaces alanine 283 with threonine.
Molecular consequence: missense variant.
Genome position (GRCh38, 1-based): chr1:2,229,613, G>A. VCF-style: chr1-2229613-G-A. GRCh37 (hg19) VCF-style: chr1-2161052-G-A.
Other names: short protein forms A283T.
Identifiers: ClinVar variation 2093262 (VCV002093262.4), dbSNP rs764229946, ClinGen allele CA536472.
Genomic context (GRCh38, chr1:2,229,613, plus strand): 5'-TCGCACAAGGCCCTGGAGAACCGGACCTGCCACTGGGGCTTCGACTCGGCCAACTGGCGG[G>A]CCTACATCCTGCTGAGCCAGGATTACACGGGCAAGGAGGAGCAGGCGCGCCTCGGCCGCT-3'
Protein context (NP_003027.1, residues 273-293): HWGFDSANWR[Ala283Thr]YILLSQDYTG